The following is an entry in ClinVar:

ClinVar aggregate classification (germline): Uncertain significance (1 of 4 stars; one submission).

Submission:

Ambry Genetics
Classification: Uncertain significance. Last evaluated: 2025-07-07. Review status: criteria provided, single submitter. Criteria: Ambry Variant Classification Scheme 2023. Collection method: clinical testing. Allele origin: germline.
Comment: The p.M1247I variant (also known as c.3741G>A), located in coding exon 13 of the CDK12 gene, results from a G to A substitution at nucleotide position 3741. The methionine at codon 1247 is replaced by isoleucine, an amino acid with highly similar properties. This amino acid position is conserved. In addition, this alteration is predicted to be tolerated by in silico analysis. Based on the available evidence, the clinical significance of this variant remains unclear.

NM_016507.4(CDK12):c.3741G>A (p.Met1247Ile)

Gene: CDK12 (cyclin dependent kinase 12; plus strand). Cytogenetic location: 17q12.
Variant type: single nucleotide variant.
Coding change: c.3741G>A on transcript NM_016507.4 (MANE Select); coding-DNA position 3741, G replaced by A.
Protein change: p.Met1247Ile; replaces methionine 1247 with isoleucine.
Molecular consequence: missense variant.
Genome position (GRCh38, 1-based): chr17:39,526,297, G>A. VCF-style: chr17-39526297-G-A. GRCh37 (hg19) VCF-style: chr17-37682550-G-A.
Other names: c.3741G>A, p.Met1247Ile (NM_015083.4); short protein forms M1247I.
Identifiers: ClinVar variation 4224262 (VCV004224262.1).
Genomic context (GRCh38, chr17:39,526,297, plus strand): 5'-GGAGGAAAACAACAGTGACAAGAACAGTGGGCCACAGGGGCCCCGAAGAACTCCCACAAT[G>A]CCACAGGAGGAGGCAGCAGGTAAACAGACCGGTCATGAATCTCATTGAGCTCAGGTGCTG-3'
Protein context (NP_057591.2, residues 1237-1257): GPQGPRRTPT[Met1247Ile]PQEEAAACPP